The following is an entry in ClinVar:

ClinVar aggregate classification (germline): Uncertain significance. Review status: criteria provided, multiple submitters, no conflicts (2 of 4 stars). 3 submissions from 3 submitters: Uncertain significance (3). Last evaluated 2022-04-29.

Conditions:
Autosomal recessive nonsyndromic hearing loss 18B. Also called: Deafness, autosomal recessive 18b. Identifiers: Orphanet 90636, MedGen C3554163, MONDO:0013985, OMIM 614945.

Allele frequency attached by ClinVar (database versions not stated): gnomAD exomes 0.00001.
gnomAD v4.1: 4 of 1,550,530 alleles (0.00026%); highest among the groups gnomAD compares: Middle Eastern, 0.033%; no homozygotes.

Submissions (3):

Baylor Genetics
Classification: Uncertain significance for Autosomal recessive nonsyndromic hearing loss 18B. Last evaluated: 2022-04-29. Review status: criteria provided, single submitter. Criteria: ACMG Guidelines, 2015. Collection method: clinical testing. Allele origin: unknown.

Labcorp Genetics (formerly Invitae), Labcorp
Classification: Uncertain significance. Last evaluated: 2021-05-16. Review status: criteria provided, single submitter. Criteria: Invitae Variant Classification Sherloc (09022015). Collection method: clinical testing. Allele origin: germline.
Comment: In summary, the available evidence is currently insufficient to determine the role of this variant in disease. Therefore, it has been classified as a Variant of Uncertain Significance. Algorithms developed to predict the effect of missense changes on protein structure and function are either unavailable or do not agree on the potential impact of this missense change (SIFT: "Deleterious"; PolyPhen-2: "Probably Damaging"; Align-GVGD: "Class C15"). This variant has not been reported in the literature in individuals with OTOG-related conditions. The frequency data for this variant in the population databases is considered unreliable, as metrics indicate insufficient coverage at this position in the ExAC database. This sequence change replaces aspartic acid with asparagine at codon 2124 of the OTOG protein (p.Asp2124Asn). The aspartic acid residue is highly conserved and there is a small physicochemical difference between aspartic acid and asparagine.

Wangler Lab, Baylor College of Medicine
Classification: Uncertain significance for Autosomal recessive nonsyndromic hearing loss 18B. Review status: criteria provided, single submitter. Criteria: ACMG Guidelines, 2015. Collection method: clinical testing. Allele origin: paternal. Inheritance: Autosomal recessive inheritance. Affected: yes. Observed: 1 heterozygote.
Comment: This missense OTOG variant at c.6370G>A (p.D2124N) was discovered on exome through the Texome Project (R01HG011795). This variant was observed in gnomAD with a frequency of <0.001% in the heterozygous state (PM2). It is predicted to be deleterious by multiple computational models (CADD: 29.0)(PP3). The evolutionary conservation of this residue is high. We classify this as a variant of uncertain significance.

NM_001292063.2(OTOG):c.6334G>A (p.Asp2112Asn)

Gene: OTOG (otogelin; plus strand). Cytogenetic location: 11p15.1.
Variant type: single nucleotide variant.
Coding change: c.6334G>A on transcript NM_001292063.2 (MANE Select); coding-DNA position 6334, G replaced by A.
Protein change: p.Asp2112Asn; replaces aspartic acid 2112 with asparagine.
Molecular consequence: missense variant.
Genome position (GRCh38, 1-based): chr11:17,612,661, G>A. VCF-style: chr11-17612661-G-A. GRCh37 (hg19) VCF-style: chr11-17634208-G-A.
Other names: c.6370G>A, p.Asp2124Asn (NM_001277269.2); short protein forms D2112N, D2124N.
Identifiers: ClinVar variation 1464752 (VCV001464752.10), dbSNP rs1314382019, ClinGen allele CA379804286.
Genomic context (GRCh38, chr11:17,612,661, plus strand): 5'-TGCCCTGCCCCTCCCCCAGGCCGGTGCTCAATCTTCCCTGACCTGAGCTTCGTGACCTTC[G>A]ATGGGAGCCACGTAGCTCTGTTCAAGGAGGCCATCTACATCCTCAGCCAGAGCCCAGATG-3'
Protein context (NP_001278992.1, residues 2102-2122): IFPDLSFVTF[Asp2112Asn]GSHVALFKEA